The following is an entry in ClinVar:

NM_019055.6(ROBO4):c.1417A>G (p.Thr473Ala)

Gene: ROBO4 (roundabout guidance receptor 4; minus strand). Cytogenetic location: 11q24.2.
Variant type: single nucleotide variant.
Coding change: c.1417A>G on transcript NM_019055.6 (MANE Select); coding-DNA position 1417, A replaced by G.
Protein change: p.Thr473Ala; replaces threonine 473 with alanine.
Molecular consequence: missense variant.
Genome position (GRCh38, 1-based): chr11:124,893,947, T>C on the plus strand (A>G on the coding strand, the complement: ROBO4 is on the minus strand). VCF-style: chr11-124893947-T-C. GRCh37 (hg19) VCF-style: chr11-124763843-T-C.
Other names: c.982A>G, p.Thr328Ala (NM_001301088.2); c.1417A>G, p.Thr473Ala (NM_001441183.1); short protein forms T328A, T473A.
Identifiers: ClinVar variation 4977911 (VCV004977911.1).

ClinVar aggregate classification (germline): Uncertain significance (1 of 4 stars; one submission).

Conditions:
ROBO4-related disorder. Also called: ROBO4-related condition.

gnomAD v4.1: 6 of 1,609,928 alleles (0.00037%); highest among the groups gnomAD compares: Admixed American, 0.0067%; no homozygotes.

Submission:

PreventionGenetics, part of Exact Sciences
Classification: Uncertain significance for ROBO4-related condition. Last evaluated: 2025-10-13. Review status: criteria provided, single submitter. Criteria: ACMG Guidelines, 2015. Collection method: clinical testing. Allele origin: germline.
Comment: The ROBO4 c.1417A>G variant is predicted to result in the amino acid substitution p.Thr473Ala. To our knowledge, this variant has not been reported in the literature. This variant is reported in 0.0088% of alleles in individuals of Latino descent in gnomAD. At this time, the clinical significance of this variant is uncertain due to the absence of conclusive functional and genetic evidence.